The following is an entry in ClinVar:

ClinVar aggregate classification (germline): Uncertain significance (1 of 4 stars; one submission).

Allele frequency attached by ClinVar (database versions not stated): gnomAD exomes below 0.00001; ExAC 0.00001; gnomAD 0.00001; TOPMed 0.00001.
gnomAD v4.1: 8 of 1,613,234 alleles (0.0005%); highest among the groups gnomAD compares: African/African-American, 0.0013%; no homozygotes.

Submission:

GeneDx
Classification: Uncertain significance. Last evaluated: 2022-07-27. Review status: criteria provided, single submitter. Criteria: GeneDx Variant Classification Process June 2021. Collection method: clinical testing. Allele origin: germline. Affected: yes.
Comment: Not observed at significant frequency in large population cohorts (gnomAD); In silico analysis supports that this missense variant does not alter protein structure/function; Has not been previously published as pathogenic or benign to our knowledge

NM_018993.4(RIN2):c.2650A>G (p.Ile884Val)

Gene: RIN2 (Ras and Rab interactor 2; plus strand). Cytogenetic location: 20p11.23.
Variant type: single nucleotide variant.
Coding change: c.2650A>G on transcript NM_018993.4 (MANE Select); coding-DNA position 2650, A replaced by G.
Protein change: p.Ile884Val; replaces isoleucine 884 with valine.
Molecular consequence: missense variant.
Genome position (GRCh38, 1-based): chr20:20,000,898, A>G. VCF-style: chr20-20000898-A-G. GRCh37 (hg19) VCF-style: chr20-19981542-A-G.
Other names: c.2797A>G, p.Ile933Val (NM_001242581.2); c.2032A>G, p.Ile678Val (NM_001378238.1); short protein forms I678V, I884V, I933V.
Identifiers: ClinVar variation 2412916 (VCV002412916.3), dbSNP rs771010700, ClinGen allele CA9780348.